The following is an entry in ClinVar:

NM_022173.4(TIA1):c.689T>C (p.Met230Thr)

Gene: TIA1 (TIA1 cytotoxic granule associated RNA binding protein; minus strand). Cytogenetic location: 2p13.3.
Variant type: single nucleotide variant.
Coding change: c.689T>C on transcript NM_022173.4 (MANE Select); coding-DNA position 689, T replaced by C.
Protein change: p.Met230Thr; replaces methionine 230 with threonine.
Molecular consequence: missense variant. On other transcripts: non-coding transcript variant (17).
Genome position (GRCh38, 1-based): chr2:70,216,283, A>G on the plus strand (T>C on the coding strand, the complement: TIA1 is on the minus strand). VCF-style: chr2-70216283-A-G. GRCh37 (hg19) VCF-style: chr2-70443415-A-G.
Other names: c.689T>C, p.Met230Thr (NM_001351508.2, NM_001351516.2); c.662T>C, p.Met221Thr (NM_001351509.2); c.656T>C, p.Met219Thr (NM_001351510.2, NM_022037.4); c.578T>C, p.Met193Thr (NM_001351511.1); c.551T>C, p.Met184Thr (NM_001351512.1); c.545T>C, p.Met182Thr (NM_001351513.1); c.461T>C, p.Met154Thr (NM_001351514.2); c.386T>C, p.Met129Thr (NM_001351515.2); and 1 more; short protein forms M230T, M154T, M129T, M219T, M90T, M182T, M184T, M193T.
Identifiers: ClinVar variation 859716 (VCV000859716.9), dbSNP rs1678600341, ClinGen allele CA347152365.

ClinVar aggregate classification (germline): Uncertain significance (1 of 4 stars; one submission).

Conditions:
Welander distal myopathy (WDM). Also called: Welander distal myopathy, Swedish type; Distal myopathy, Swedish type; Gower's muscular dystrophy; MUSCULAR DYSTROPHY, DISTAL, LATE-ONSET, AUTOSOMAL DOMINANT. Identifiers: Orphanet 603, MedGen C0221054, MONDO:0011466, OMIM 604454.

Submission:

Labcorp Genetics (formerly Invitae), Labcorp
Classification: Uncertain significance for Welander distal myopathy. Last evaluated: 2022-10-14. Review status: criteria provided, single submitter. Criteria: Invitae Variant Classification Sherloc (09022015). Collection method: clinical testing. Allele origin: germline.
Comment: In summary, the available evidence is currently insufficient to determine the role of this variant in disease. Therefore, it has been classified as a Variant of Uncertain Significance. Advanced modeling of protein sequence and biophysical properties (such as structural, functional, and spatial information, amino acid conservation, physicochemical variation, residue mobility, and thermodynamic stability) performed at Invitae indicates that this missense variant is not expected to disrupt TIA1 protein function. ClinVar contains an entry for this variant (Variation ID: 859716). This variant has not been reported in the literature in individuals affected with TIA1-related conditions. This variant is not present in population databases (gnomAD no frequency). This sequence change replaces methionine, which is neutral and non-polar, with threonine, which is neutral and polar, at codon 230 of the TIA1 protein (p.Met230Thr).